The following is an entry in ClinVar:

ClinVar aggregate classification (germline): Pathogenic. Review status: criteria provided, multiple submitters, no conflicts (2 of 4 stars). 3 submissions from 3 submitters: Pathogenic (2). 1 of the submissions does not count toward it. Last evaluated 2024-04-15.

Conditions:
Retinitis pigmentosa 26 (RP26). Identifiers: Orphanet 791, MedGen C1842127, MONDO:0012024, OMIM 608380.

Submissions (3):

Fulgent Genetics
Classification: Pathogenic for Retinitis pigmentosa 26. Last evaluated: 2024-04-15. Review status: criteria provided, single submitter. Criteria: ACMG Guidelines, 2015. Collection method: clinical testing. Allele origin: germline.

Labcorp Genetics (formerly Invitae), Labcorp
Classification: Pathogenic. Last evaluated: 2022-02-03. Review status: criteria provided, single submitter. Criteria: Invitae Variant Classification Sherloc (09022015). Collection method: clinical testing. Allele origin: germline.
Comment: For these reasons, this variant has been classified as Pathogenic. This variant disrupts a region of the CERKL protein in which other variant(s) (p.Cys125Trp) have been determined to be pathogenic (PMID: 20554613, 24498393, 29068140). This suggests that this is a clinically significant region of the protein, and that variants that disrupt it are likely to be disease-causing. ClinVar contains an entry for this variant (Variation ID: 665011). Disruption of the initiator codon has been observed in individual(s) with CERKL-related disease (Invitae). In at least one individual the data is consistent with being in trans (on the opposite chromosome) from a pathogenic variant. This variant is not present in population databases (gnomAD no frequency). This sequence change affects the initiator methionine of the CERKL mRNA. The next in-frame methionine is located at codon 206.

Natera, Inc.
Classification: Likely pathogenic for Retinitis pigmentosa type 26. Last evaluated: 2020-09-16. Review status: no assertion criteria provided. Collection method: clinical testing. Allele origin: germline. Not counted in ClinVar's aggregate classification.

Literature cited by the submitters: PubMed 20554613 (cited by Labcorp Genetics (formerly Invitae), Labcorp); PubMed 24498393 (cited by Labcorp Genetics (formerly Invitae), Labcorp); PubMed 29068140 (cited by Labcorp Genetics (formerly Invitae), Labcorp).

NM_201548.5(CERKL):c.2T>C (p.Met1Thr)

Genes: CERKL (CERK like autophagy regulator; minus strand), LOC129935215 (ATAC-STARR-seq lymphoblastoid silent region 12158; plus strand). Cytogenetic location: 2q31.3.
Variant type: single nucleotide variant.
Coding change: c.2T>C on transcript NM_201548.5 (MANE Select); coding-DNA position 2, T replaced by C.
Protein change: p.Met1Thr; changes the start codon (methionine 1).
Molecular consequence: missense variant, initiator codon variant. On other transcripts: non-coding transcript variant (2).
Genome position (GRCh38, 1-based): chr2:181,657,005, A>G on the plus strand (T>C on the coding strand, the complement: CERKL is on the minus strand). VCF-style: chr2-181657005-A-G. GRCh37 (hg19) VCF-style: chr2-182521732-A-G.
Other names: c.2T>C, p.Met1Thr (NM_001030311.3, NM_001030312.3, NM_001030313.3 and 1 more transcripts); short protein forms M1T.
Identifiers: ClinVar variation 665011 (VCV000665011.11), dbSNP rs1187991259, ClinGen allele CA349746041.